The following is an entry in ClinVar:

NM_006767.4(LZTR1):c.1677G>C (p.Leu559Phe)

Gene: LZTR1 (leucine zipper like post translational regulator 1; plus strand). Cytogenetic location: 22q11.21.
Variant type: single nucleotide variant.
Coding change: c.1677G>C on transcript NM_006767.4 (MANE Select); coding-DNA position 1677, G replaced by C.
Protein change: p.Leu559Phe; replaces leucine 559 with phenylalanine.
Molecular consequence: missense variant.
Genome position (GRCh38, 1-based): chr22:20,994,619, G>C. VCF-style: chr22-20994619-G-C. GRCh37 (hg19) VCF-style: chr22-21348908-G-C.
Other names: short protein forms L559F.
Identifiers: ClinVar variation 1777819 (VCV001777819.5), dbSNP rs1924753021, ClinGen allele CA410777696.

ClinVar aggregate classification (germline): Uncertain significance. Review status: criteria provided, multiple submitters, no conflicts (2 of 4 stars). 2 submissions from 2 submitters: Uncertain significance (2). Last evaluated 2025-02-08.

Conditions:
Cardiovascular phenotype. Identifiers: MedGen CN230736.
Hereditary cancer-predisposing syndrome. Also called: Neoplastic Syndromes, Hereditary; Tumor predisposition; Hereditary Cancer Syndrome; Hereditary neoplastic syndrome. Identifiers: Orphanet 140162, MedGen C0027672, MeSH D009386, MONDO:0015356.

Allele frequency attached by ClinVar (database versions not stated): TOPMed below 0.00001.
gnomAD v4.1: 4 of 1,612,650 alleles (0.00025%); highest among the groups gnomAD compares: South Asian, 0.0044%; no homozygotes.

Submissions (2):

Ambry Genetics
Classification: Uncertain significance for Cardiovascular phenotype; Hereditary cancer-predisposing syndrome. Last evaluated: 2025-02-08. Review status: criteria provided, single submitter. Criteria: Ambry Variant Classification Scheme 2023. Collection method: clinical testing. Allele origin: germline.

Labcorp Genetics (formerly Invitae), Labcorp
Classification: Uncertain significance. Last evaluated: 2025-01-19. Review status: criteria provided, single submitter. Criteria: Invitae Variant Classification Sherloc (09022015). Collection method: clinical testing. Allele origin: germline.
Comment: This sequence change replaces leucine, which is neutral and non-polar, with phenylalanine, which is neutral and non-polar, at codon 559 of the LZTR1 protein (p.Leu559Phe). This variant is not present in population databases (gnomAD no frequency). This variant has not been reported in the literature in individuals affected with LZTR1-related conditions. ClinVar contains an entry for this variant (Variation ID: 1777819). Invitae Evidence Modeling of protein sequence and biophysical properties (such as structural, functional, and spatial information, amino acid conservation, physicochemical variation, residue mobility, and thermodynamic stability) indicates that this missense variant is not expected to disrupt LZTR1 protein function with a negative predictive value of 80%. In summary, the available evidence is currently insufficient to determine the role of this variant in disease. Therefore, it has been classified as a Variant of Uncertain Significance.